The following is an entry in ClinVar:

NM_203447.4(DOCK8):c.58T>A (p.Ser20Thr)

Gene: DOCK8 (dedicator of cytokinesis 8; plus strand). Cytogenetic location: 9p24.3.
Variant type: single nucleotide variant.
Coding change: c.58T>A on transcript NM_203447.4 (MANE Select); coding-DNA position 58, T replaced by A.
Protein change: p.Ser20Thr; replaces serine 20 with threonine.
Molecular consequence: missense variant.
Genome position (GRCh38, 1-based): chr9:271,631, T>A. VCF-style: chr9-271631-T-A. GRCh37 (hg19) VCF-style: chr9-271631-T-A.
Other names: short protein forms S20T.
Identifiers: ClinVar variation 2125090 (VCV002125090.4), dbSNP rs2537455736, ClinGen allele CA372752183.

ClinVar aggregate classification (germline): Uncertain significance (1 of 4 stars; one submission).

Conditions:
Combined immunodeficiency due to DOCK8 deficiency (HIES2). Also called: HIES autosomal recessive; HYPER-IgE RECURRENT INFECTION SYNDROME 2, AUTOSOMAL RECESSIVE; DOCK8 Deficiency; Hyper-IgE recurrent infection syndrome, autosomal recessive; HYPER-IgE SYNDROME 2, AUTOSOMAL RECESSIVE, WITH RECURRENT INFECTIONS. Identifiers: Orphanet 217390, MedGen C4722305, MONDO:0009478, OMIM 243700.

Allele frequency attached by ClinVar (database versions not stated): gnomAD exomes below 0.00001.
gnomAD v4.1: 1 of 1,544,422 alleles (0.000065%); highest among the groups gnomAD compares: Non-Finnish European, 0.000088%; no homozygotes.

Submission:

Labcorp Genetics (formerly Invitae), Labcorp
Classification: Uncertain significance for Combined immunodeficiency due to DOCK8 deficiency. Last evaluated: 2022-04-12. Review status: criteria provided, single submitter. Criteria: Invitae Variant Classification Sherloc (09022015). Collection method: clinical testing. Allele origin: germline.
Comment: In summary, the available evidence is currently insufficient to determine the role of this variant in disease. Therefore, it has been classified as a Variant of Uncertain Significance. Algorithms developed to predict the effect of missense changes on protein structure and function are either unavailable or do not agree on the potential impact of this missense change (SIFT: "Tolerated"; PolyPhen-2: "Probably Damaging"; Align-GVGD: "Class C0"). This variant has not been reported in the literature in individuals affected with DOCK8-related conditions. This variant is not present in population databases (gnomAD no frequency). This sequence change replaces serine, which is neutral and polar, with threonine, which is neutral and polar, at codon 20 of the DOCK8 protein (p.Ser20Thr).